The following is an entry in ClinVar:

NM_014159.7(SETD2):c.2555A>G (p.Tyr852Cys)

Gene: SETD2 (SET domain containing 2, histone lysine methyltransferase; minus strand). Cytogenetic location: 3p21.31.
Variant type: single nucleotide variant.
Coding change: c.2555A>G on transcript NM_014159.7 (MANE Select); coding-DNA position 2555, A replaced by G.
Protein change: p.Tyr852Cys; replaces tyrosine 852 with cysteine.
Molecular consequence: missense variant. On other transcripts: non-coding transcript variant (1).
Genome position (GRCh38, 1-based): chr3:47,122,081, T>C on the plus strand (A>G on the coding strand, the complement: SETD2 is on the minus strand). VCF-style: chr3-47122081-T-C. GRCh37 (hg19) VCF-style: chr3-47163571-T-C.
Other names: c.2423A>G, p.Tyr808Cys (NM_001349370.3); short protein forms Y808C, Y852C.
Identifiers: ClinVar variation 3363981 (VCV003363981.1).
Genomic context (GRCh38, chr3:47,122,081, plus strand): 5'-TGATATAAATCATCAAAATGATTAACAGAAGCTGAACTAGTGCTACCGATGCTCTGCTTA[T>C]ATTCTTCACATGCAAATTTTGAGTGATCTGTCAAATTTCTACTATCACATATAACTGGTT-3'
Protein context (NP_054878.5, residues 842-862): TDHSKFACEE[Tyr852Cys]KQSIGSTSSA

ClinVar aggregate classification (germline): Uncertain significance (1 of 4 stars; one submission).

Submission:

GeneDx
Classification: Uncertain significance. Last evaluated: 2023-11-10. Review status: criteria provided, single submitter. Criteria: GeneDx Variant Classification Process June 2021. Collection method: clinical testing. Allele origin: germline. Affected: yes.
Comment: Not observed at significant frequency in large population cohorts (gnomAD); In silico analysis supports that this missense variant has a deleterious effect on protein structure/function; Has not been previously published as pathogenic or benign to our knowledge